The following is an entry in ClinVar:

ClinVar aggregate classification (germline): Likely benign. Review status: criteria provided, multiple submitters, no conflicts (2 of 4 stars). 2 submissions from 2 submitters: Likely benign (2). Last evaluated 2026-01-21.

Allele frequency attached by ClinVar (database versions not stated): TOPMed below 0.00001; gnomAD exomes 0.00001; gnomAD 0.00002; ExAC 0.00003.
gnomAD v4.1: 17 of 1,613,968 alleles (0.0011%); highest among the groups gnomAD compares: Non-Finnish European, 0.0014%; no homozygotes.

Submissions (2):

Labcorp Genetics (formerly Invitae), Labcorp
Classification: Likely benign. Last evaluated: 2026-01-21. Review status: criteria provided, single submitter. Criteria: Invitae Variant Classification Sherloc (09022015). Collection method: clinical testing. Allele origin: germline.

CeGaT Center for Human Genetics Tuebingen
Classification: Likely benign. Last evaluated: 2022-10-01. Review status: criteria provided, single submitter. Criteria: CeGaT Center For Human Genetics Tuebingen Variant Classification Criteria Version 2. Collection method: clinical testing. Allele origin: germline. Affected: yes. Observed: 1 variant allele.
Comment: GRM6: BP4, BP7

NM_000843.4(GRM6):c.1188G>A (p.Glu396=)

Genes: GRM6 (glutamate metabotropic receptor 6; minus strand), ZNF454 (zinc finger protein 454; plus strand). Cytogenetic location: 5q35.3.
Variant type: single nucleotide variant.
Coding change: c.1188G>A on transcript NM_000843.4 (MANE Select); coding-DNA position 1188, G replaced by A.
Protein change: p.Glu396=; no amino-acid change (glutamic acid 396 retained).
Molecular consequence: synonymous variant.
Genome position (GRCh38, 1-based): chr5:178,989,101, C>T on the plus strand (G>A on the coding strand, the complement: GRM6 is on the minus strand). VCF-style: chr5-178989101-C-T. GRCh37 (hg19) VCF-style: chr5-178416102-C-T.
Identifiers: ClinVar variation 2656130 (VCV002656130.27), dbSNP rs770075825, ClinGen allele CA3594154.